The following is an entry in ClinVar:

NM_000426.4(LAMA2):c.5234+1G>C

Gene: LAMA2 (laminin subunit alpha 2; plus strand). Cytogenetic location: 6q22.33.
Variant type: single nucleotide variant.
Coding change: c.5234+1G>C on transcript NM_000426.4 (MANE Select); the canonical splice donor site of the intron after coding-DNA position 5234, G replaced by C.
Molecular consequence: splice donor variant.
Genome position (GRCh38, 1-based): chr6:129,391,654, G>C. VCF-style: chr6-129391654-G-C. GRCh37 (hg19) VCF-style: chr6-129712799-G-C.
Other names: c.5234+1G>C (NM_001079823.2).
Identifiers: ClinVar variation 2706540 (VCV002706540.3), dbSNP rs781376927, ClinGen allele CA365614448.
Genomic context (GRCh38, chr6:129,391,654, plus strand): 5'-TAAAGAACTGAGGAGGAAAAATCTAGAGACACAAAAGGAAATTGCTGAAGATGAGTTGGT[G>C]TGAGTAGATGAGTTATTATTTTTTCTTTTGACAAACTGAGATTTCCAGATAATTTACAGT-3'

ClinVar aggregate classification (germline): Pathogenic (1 of 4 stars; one submission).

Conditions:
LAMA2-related muscular dystrophy (LAMA2-RD). Also called: Laminin alpha 2-related dystrophy. Identifiers: MedGen C5679788, MONDO:0100228.

Submission:

Labcorp Genetics (formerly Invitae), Labcorp
Classification: Pathogenic for LAMA2-related muscular dystrophy. Last evaluated: 2024-01-08. Review status: criteria provided, single submitter. Criteria: Invitae Variant Classification Sherloc (09022015). Collection method: clinical testing. Allele origin: germline.
Comment: This sequence change affects a donor splice site in intron 36 of the LAMA2 gene. It is expected to disrupt RNA splicing. Variants that disrupt the donor or acceptor splice site typically lead to a loss of protein function (PMID: 16199547), and loss-of-function variants in LAMA2 are known to be pathogenic (PMID: 18700894, 32904964). This variant is not present in population databases (gnomAD no frequency). Disruption of this splice site has been observed in individuals with autosomal recessive congenital muscular dystrophy (PMID: 18700894). Studies have shown that disruption of this splice site is associated with inconclusive levels of altered splicing (PMID: 18700894). For these reasons, this variant has been classified as Pathogenic.

Literature cited by the submitters: PubMed 16199547; PubMed 18700894; PubMed 32904964.